The following is an entry in ClinVar:

NM_000257.4(MYH7):c.937A>G (p.Ile313Val)

Gene: MYH7 (myosin heavy chain 7; minus strand). Cytogenetic location: 14q11.2.
Variant type: single nucleotide variant.
Coding change: c.937A>G on transcript NM_000257.4 (MANE Select); coding-DNA position 937, A replaced by G.
Protein change: p.Ile313Val; replaces isoleucine 313 with valine.
Molecular consequence: missense variant.
Genome position (GRCh38, 1-based): chr14:23,430,622, T>C on the plus strand (A>G on the coding strand, the complement: MYH7 is on the minus strand). VCF-style: chr14-23430622-T-C. GRCh37 (hg19) VCF-style: chr14-23899831-T-C.
Other names: short protein forms I313V.
Identifiers: ClinVar variation 1024810 (VCV001024810.9), dbSNP rs1323103660, ClinGen allele CA389051714.
Genomic context (GRCh38, chr14:23,430,622, plus strand): 5'-CAGTGGCCATGAGCTCCTCAGCGTCATCAATGGAGGCCACGGTGGTCTCTCCTTGGGAGA[T>C]GAATGCATAATCGTAGGGGTTGTTGGTGATCAGCAGCATGTCTAGGGGAAAAAACATGGT-3'
Protein context (NP_000248.2, residues 303-323): ITNNPYDYAF[Ile313Val]SQGETTVASI

ClinVar aggregate classification (germline): Uncertain significance. Review status: criteria provided, multiple submitters, no conflicts (2 of 4 stars). 2 submissions from 2 submitters: Uncertain significance (2). Last evaluated 2023-04-10.

Conditions:
Cardiomyopathy (CMYO). Also called: Cardiomyopathies. Identifiers: Orphanet 167848, MedGen C0878544, MONDO:0004994, HP:0001638. Inheritance: Various modes of inheritance.
Hypertrophic cardiomyopathy. Also called: HYPERTROPHIC MYOCARDIOPATHY. Identifiers: Orphanet 217569, MedGen C0007194, MeSH D002312, MONDO:0005045, HP:0001639.

Allele frequency attached by ClinVar (database versions not stated): gnomAD exomes below 0.00001; TOPMed below 0.00001.
gnomAD v4.1: 1 of 1,614,032 alleles (0.000062%); highest among the groups gnomAD compares: Admixed American, 0.0017%; no homozygotes.

Submissions (2):

All of Us Research Program, National Institutes of Health
Classification: Uncertain significance for Cardiomyopathy. Last evaluated: 2023-04-10. Review status: criteria provided, single submitter. Criteria: ACMG Guidelines, 2015. Collection method: clinical testing. Allele origin: germline. Inheritance: Autosomal dominant inheritance. Observed: 1 variant allele, 1 heterozygote.
Comment: This missense variant replaces isoleucine with valine at codon 313 of the MYH7 protein. Computational prediction suggests that this variant may not impact protein structure and function (internally defined REVEL score threshold <= 0.5, PMID: 27666373). To our knowledge, functional studies have not been reported for this variant. This variant has not been reported in individuals affected with MYH7-related disorders in the literature. This variant has been identified in 1/251404 chromosomes in the general population by the Genome Aggregation Database (gnomAD). The available evidence is insufficient to determine the role of this variant in disease conclusively. Therefore, this variant is classified as a Variant of Uncertain Significance.

This study involves interpretation of variants in research participants for the purpose of population health screening. Participant phenotype was not available at the time of variant classification. Additional details can be found in publication PMID: 35346344, PMCID: PMC8962531

Labcorp Genetics (formerly Invitae), Labcorp
Classification: Uncertain significance for Hypertrophic cardiomyopathy. Last evaluated: 2022-07-13. Review status: criteria provided, single submitter. Criteria: Invitae Variant Classification Sherloc (09022015). Collection method: clinical testing. Allele origin: germline.
Comment: This sequence change replaces isoleucine, which is neutral and non-polar, with valine, which is neutral and non-polar, at codon 313 of the MYH7 protein (p.Ile313Val). This variant is present in population databases (no rsID available, gnomAD 0.003%). This variant has not been reported in the literature in individuals affected with MYH7-related conditions. ClinVar contains an entry for this variant (Variation ID: 1024810). Algorithms developed to predict the effect of missense changes on protein structure and function (SIFT, PolyPhen-2, Align-GVGD) all suggest that this variant is likely to be tolerated. This variant is found within a region of MYH7 between codons 181 and 937 that contains the majority of the myosin head domain. Missense variants in this region have been shown to be significantly overrepresented in individuals with hypertrophic cardiomyopathy (PMID: 27532257). In summary, the available evidence is currently insufficient to determine the role of this variant in disease. Therefore, it has been classified as a Variant of Uncertain Significance.

Literature cited by the submitters: PubMed 27532257 (cited by Labcorp Genetics (formerly Invitae), Labcorp).